The following is an entry in ClinVar:

NM_178857.6(RP1L1):c.2693C>A (p.Thr898Lys)

Gene: RP1L1 (RP1 like 1). Cytogenetic location: 8p23.1.
Variant type: single nucleotide variant.
Coding change: c.2693C>A on transcript NM_178857.6 (MANE Select); coding-DNA position 2693, C replaced by A.
Protein change: p.Thr898Lys; replaces threonine 898 with lysine.
Molecular consequence: missense variant.
Genome position (GRCh38, 1-based): chr8:10,611,405, G>T on the plus strand (C>A on the coding strand, the complement: RP1L1 is on the minus strand). VCF-style: chr8-10611405-G-T. GRCh37 (hg19) VCF-style: chr8-10468915-G-T.
Other names: c.2693C>A (NM_178857.5); short protein forms T898K.
Identifiers: ClinVar variation 3892318 (VCV003892318.4).

ClinVar aggregate classification (germline): Uncertain significance. Review status: criteria provided, multiple submitters, no conflicts (2 of 4 stars). 4 submissions from 4 submitters: Uncertain significance (4). Last evaluated 2026-05-26.

Conditions:
RP1L1-related disorder. Also called: RP1L1-related condition.
Retinitis pigmentosa 88. Identifiers: MedGen C5394208, MONDO:0032940, OMIM 618826.
Occult macular dystrophy (OCMD). Also called: OMD; OCCULT MACULAR DYSTROPHY, SUSCEPTIBILITY TO. Identifiers: Orphanet 247834, MedGen C3150833, MONDO:0013316, OMIM 613587, HP:0030636.
Inborn genetic diseases. Identifiers: MedGen C0950123, MeSH D030342.

gnomAD v4.1: 20 of 1,597,704 alleles (0.0013%); highest among the groups gnomAD compares: East Asian, 0.018%; no homozygotes.

Submissions (4):

PreventionGenetics, part of Exact Sciences
Classification: Uncertain significance for RP1L1-related condition. Last evaluated: 2026-05-26. Review status: criteria provided, single submitter. Criteria: ACMG Guidelines, 2015. Collection method: clinical testing. Allele origin: germline.
Comment: The RP1L1 c.2693C>A variant is predicted to result in the amino acid substitution p.Thr898Lys. To our knowledge, this variant has not been reported in the literature. This variant is present in 0.0057% of alleles in individuals of East Asian descent in gnomAD. At this time, the clinical significance of this variant is uncertain due to the absence of conclusive functional and genetic evidence.

Ambry Genetics
Classification: Uncertain significance for Inborn genetic diseases. Last evaluated: 2025-12-02. Review status: criteria provided, single submitter. Criteria: Ambry Variant Classification Scheme 2023. Collection method: clinical testing. Allele origin: germline.

Blueprint Genetics
Classification: Uncertain significance. Last evaluated: 2024-08-30. Review status: criteria provided, single submitter. Criteria: ACMG Guidelines, 2015. Collection method: clinical testing. Allele origin: germline.

Department of Pathology and Laboratory Medicine, Sinai Health System
Classification: Uncertain significance for Occult macular dystrophy; Retinitis pigmentosa 88. Last evaluated: 2021-12-03. Review status: criteria provided, single submitter. Criteria: ACMG Guidelines, 2015. Collection method: research. Allele origin: germline.